The following is an entry in ClinVar:

ClinVar aggregate classification (germline): Pathogenic (1 of 4 stars; one submission).

Conditions:
Tuberous sclerosis 1 (TSC1). Identifiers: Orphanet 805, MedGen C1854465, MONDO:0008612, OMIM 191100.

Submission:

Oasi Research Institute-IRCCS
Classification: Pathogenic for Tuberous sclerosis 1. Review status: criteria provided, single submitter. Criteria: ACMG Guidelines, 2015. Collection method: research. Allele origin: de novo. Affected: yes.
Comment: The genomic variant c.1770delT is a frameshift mutation. This deletion involves the loss of a thymine nucleotide within the coding sequence. It is expected to result in protein truncation or nonsense mediated decay. ACMG criteria: PVS1 (LOF), PP4 (phenotype match), PM2 (absent from controls), PP3 (in silico evidence), PS2 (de novo) = Pathogenic. Based on the evidence outlined above, the variant was classified as Pathogenic.

NM_000368.5(TSC1):c.1770del (p.Pro591fs)

Gene: TSC1 (TSC complex subunit 1; minus strand). Cytogenetic location: 9q34.13.
Variant type: Deletion.
Coding change: c.1770del on transcript NM_000368.5 (MANE Select); coding-DNA position 1770, one base deleted (T; older notation c.1770delT).
Protein change: p.Pro591fs; shifts the reading frame from proline 591.
Molecular consequence: frameshift variant. On other transcripts: non-coding transcript variant (5).
Genome position (GRCh38, 1-based): chr9:132,905,808, A deleted on the plus strand (T on the coding strand, the reverse complement: TSC1 is on the minus strand). VCF-style (leftmost placement, unchanged base first): chr9-132905807-GA-G. GRCh37 (hg19) VCF-style: chr9-135781194-GA-G.
Other names: c.1770del, p.Pro591fs (NM_001406607.1, NM_001406592.1, NM_001406593.1 and 7 more transcripts); c.1767del, p.Pro590fs (NM_001406608.1, NM_001406609.1, NM_001162426.2 and 6 more transcripts); c.1617del, p.Pro540fs (NM_001406610.1, NM_001162427.2); c.1614del, p.Pro539fs (NM_001406611.1, NM_001406612.1, NM_001406613.1); c.1407del, p.Pro470fs (NM_001406614.1, NM_001406615.1, NM_001406616.1 and 5 more transcripts); c.1404del, p.Pro469fs (NM_001406620.1, NM_001406621.1, NM_001406622.1 and 2 more transcripts); c.819del, p.Pro274fs (NM_001406626.1); c.816del, p.Pro273fs (NM_001406627.1, NM_001406628.1); and 2 more; short protein forms P240fs, P273fs, P274fs, P469fs, P470fs, P539fs, P540fs, P590fs.
Identifiers: ClinVar variation 3777220 (VCV003777220.1).